The following is an entry in ClinVar:

ClinVar aggregate classification (germline): Uncertain significance. Review status: criteria provided, multiple submitters, no conflicts (2 of 4 stars). 7 submissions from 7 submitters: Uncertain significance (7). Last evaluated 2024-11-12.

Conditions:
Developmental and epileptic encephalopathy, 48 (DEE48). Also called: Epileptic encephalopathy, early infantile, 48. Identifiers: MedGen C4310637, MONDO:0015000, OMIM 617276.
Autism (AUTS). Also called: Autistic disorder; Autistic disorder of childhood onset. Identifiers: MedGen C0004352, MeSH D001321, MONDO:0005260, OMIM 209850, HP:0000717.
Microcephaly. Also called: Microcephaly (disease). Identifiers: MedGen C4551563, MONDO:0001149, HP:0000252.
Generalized hypotonia. Identifiers: MedGen C1858120, HP:0001290.
Gastroesophageal reflux. Identifiers: MedGen C4317146, HP:0002020.
Abnormal speech pattern. Also called: Neurological speech impairment; Speech impairment. Identifiers: MedGen C3687424, HP:0002167.
Abnormality of eye movement. Identifiers: MedGen C0497202, HP:0000496.
Global developmental delay (DD). Also called: Cognitive delay. Identifiers: MedGen C0557874, HP:0001263. Disease mechanism: loss of function.
Hypotonia. Also called: poor muscle tone; Muscular hypotonia. Identifiers: MedGen C0026827, HP:0001252.
Delayed speech and language development. Also called: Language delay. Identifiers: MedGen C0454644, HP:0000750.
Feeding difficulties. Also called: Poor feeding. Identifiers: MedGen C0232466, HP:0011968.
Inborn genetic diseases. Identifiers: MedGen C0950123, MeSH D030342.

Allele frequency attached by ClinVar (database versions not stated): 1000 Genomes Project 0.00040; TOPMed 0.00019; gnomAD 0.00021; gnomAD exomes 0.00030 and 0.00024; 1000 Genomes Project 30x 0.00031; ESP Exome Variant Server 0.00044; ExAC 0.00032.
gnomAD v4.1: 466 of 1,587,054 alleles (0.029%); highest among the groups gnomAD compares: Middle Eastern, 0.05%; no homozygotes.

Submissions (7):

Blueprint Genetics
Classification: Uncertain significance. Last evaluated: 2024-11-12. Review status: criteria provided, single submitter. Criteria: ACMG Guidelines, 2015. Collection method: clinical testing. Allele origin: germline.

Ambry Genetics
Classification: Uncertain significance for Inborn genetic diseases. Last evaluated: 2024-03-11. Review status: criteria provided, single submitter. Criteria: Ambry Variant Classification Scheme 2023. Collection method: clinical testing. Allele origin: germline.

GeneDx
Classification: Uncertain significance. Last evaluated: 2023-07-06. Review status: criteria provided, single submitter. Criteria: GeneDx Variant Classification Process June 2021. Collection method: clinical testing. Allele origin: germline. Affected: yes.
Comment: Has not been previously published as pathogenic or benign to our knowledge; In silico analysis supports that this missense variant has a deleterious effect on protein structure/function

Labcorp Genetics (formerly Invitae), Labcorp
Classification: Uncertain significance. Last evaluated: 2022-11-01. Review status: criteria provided, single submitter. Criteria: Invitae Variant Classification Sherloc (09022015). Collection method: clinical testing. Allele origin: germline.
Comment: This sequence change replaces lysine, which is basic and polar, with threonine, which is neutral and polar, at codon 294 of the AP3B2 protein (p.Lys294Thr). This variant is present in population databases (rs200983489, gnomAD 0.04%). This variant has not been reported in the literature in individuals affected with AP3B2-related conditions. ClinVar contains an entry for this variant (Variation ID: 807299). Algorithms developed to predict the effect of missense changes on protein structure and function (SIFT, PolyPhen-2, Align-GVGD) all suggest that this variant is likely to be tolerated. In summary, the available evidence is currently insufficient to determine the role of this variant in disease. Therefore, it has been classified as a Variant of Uncertain Significance.

Revvity Omics, Revvity
Classification: Uncertain significance for Developmental and epileptic encephalopathy, 48. Last evaluated: 2022-06-30. Review status: criteria provided, single submitter. Criteria: ACMG Guidelines, 2015. Collection method: clinical testing. Allele origin: germline.

CeGaT Center for Human Genetics Tuebingen
Classification: Uncertain significance. Last evaluated: 2019-05-01. Review status: criteria provided, single submitter. Criteria: CeGaT Center For Human Genetics Tuebingen Variant Classification Criteria Version 2. Collection method: clinical testing. Allele origin: germline. Affected: yes. Observed: 4 variant alleles.

Knight Diagnostic Laboratories, Oregon Health and Sciences University
Classification: Uncertain significance for Autism; Gastroesophageal reflux; Delayed speech and language development; Feeding difficulties; Generalized hypotonia; Abnormal speech pattern; Microcephaly; Abnormality of eye movement; Global developmental delay; Hypotonia. Last evaluated: 2019-03-04. Review status: criteria provided, single submitter. Criteria: ACMG Guidelines, 2015. Collection method: clinical testing. Allele origin: germline. Observed: 1 variant allele.

NM_001278512.2(AP3B2):c.881A>C (p.Lys294Thr)

Genes: AP3B2 (adaptor related protein complex 3 subunit beta 2; minus strand), CPEB1-AS1 (CPEB1 antisense RNA 1; plus strand). Cytogenetic location: 15q25.2.
Variant type: single nucleotide variant.
Coding change: c.881A>C on transcript NM_001278512.2 (MANE Select); coding-DNA position 881, A replaced by C.
Protein change: p.Lys294Thr; replaces lysine 294 with threonine.
Molecular consequence: missense variant.
Genome position (GRCh38, 1-based): chr15:82,680,646, T>G on the plus strand (A>C on the coding strand, the complement: AP3B2 is on the minus strand). VCF-style: chr15-82680646-T-G. GRCh37 (hg19) VCF-style: chr15-83349398-T-G.
Other names: c.881A>C (NM_004644.3); c.785A>C, p.Lys262Thr (NM_001278511.2); c.881A>C, p.Lys294Thr (NM_004644.5); short protein forms K262T, K294T.
Identifiers: ClinVar variation 807299 (VCV000807299.51), dbSNP rs200983489, ClinGen allele CA7700376.